The following is an entry in ClinVar:

ClinVar aggregate classification (germline): Uncertain significance (1 of 4 stars; one submission).

Conditions:
Baller-Gerold syndrome (BGS). Also called: CRANIOSYNOSTOSIS WITH RADIAL DEFECTS. Identifiers: Orphanet 1225, MedGen C0265308, MONDO:0009039, OMIM 218600.

Allele frequency attached by ClinVar (database versions not stated): TOPMed below 0.00001; ExAC 0.00001; gnomAD exomes 0.00001.
gnomAD v4.1: 13 of 1,609,334 alleles (0.00081%); highest among the groups gnomAD compares: East Asian, 0.0022%; no homozygotes.

Submission:

Labcorp Genetics (formerly Invitae), Labcorp
Classification: Uncertain significance for Baller-Gerold syndrome. Last evaluated: 2025-11-11. Review status: criteria provided, single submitter. Criteria: Invitae Variant Classification Sherloc (09022015). Collection method: clinical testing. Allele origin: germline.
Comment: This sequence change replaces arginine, which is basic and polar, with glycine, which is neutral and non-polar, at codon 1099 of the RECQL4 protein (p.Arg1099Gly). This variant is present in population databases (rs766056345, gnomAD 0.009%). This variant has not been reported in the literature in individuals affected with RECQL4-related conditions. ClinVar contains an entry for this variant (Variation ID: 1018082). Invitae Evidence Modeling of protein sequence and biophysical properties (such as structural, functional, and spatial information, amino acid conservation, physicochemical variation, residue mobility, and thermodynamic stability) indicates that this missense variant is not expected to disrupt RECQL4 protein function with a negative predictive value of 80%. In summary, the available evidence is currently insufficient to determine the role of this variant in disease. Therefore, it has been classified as a Variant of Uncertain Significance.

NM_004260.4(RECQL4):c.3295A>G (p.Arg1099Gly)

Gene: RECQL4 (RecQ like helicase 4; minus strand). Cytogenetic location: 8q24.3.
Variant type: single nucleotide variant.
Coding change: c.3295A>G on transcript NM_004260.4 (MANE Select); coding-DNA position 3295, A replaced by G.
Protein change: p.Arg1099Gly; replaces arginine 1099 with glycine.
Molecular consequence: missense variant.
Genome position (GRCh38, 1-based): chr8:144,512,009, T>C on the plus strand (A>G on the coding strand, the complement: RECQL4 is on the minus strand). VCF-style: chr8-144512009-T-C. GRCh37 (hg19) VCF-style: chr8-145737392-T-C.
Other names: short protein forms R1099G.
Identifiers: ClinVar variation 1018082 (VCV001018082.5), dbSNP rs766056345, ClinGen allele CA4947827.